The following is an entry in ClinVar:

ClinVar aggregate classification (germline): Uncertain significance (1 of 4 stars; one submission).

Submission:

Labcorp Genetics (formerly Invitae), Labcorp
Classification: Uncertain significance. Last evaluated: 2023-01-17. Review status: criteria provided, single submitter. Criteria: Invitae Variant Classification Sherloc (09022015). Collection method: clinical testing. Allele origin: germline.
Comment: This sequence change replaces methionine, which is neutral and non-polar, with threonine, which is neutral and polar, at codon 667 of the CACNA1D protein (p.Met667Thr). In summary, the available evidence is currently insufficient to determine the role of this variant in disease. Therefore, it has been classified as a Variant of Uncertain Significance. Advanced modeling of protein sequence and biophysical properties (such as structural, functional, and spatial information, amino acid conservation, physicochemical variation, residue mobility, and thermodynamic stability) performed at Invitae indicates that this missense variant is not expected to disrupt CACNA1D protein function. This variant has not been reported in the literature in individuals affected with CACNA1D-related conditions. This variant is not present in population databases (gnomAD no frequency).

NM_001128840.3(CACNA1D):c.1940T>C (p.Met647Thr)

Gene: CACNA1D (calcium voltage-gated channel subunit alpha1 D; plus strand). Cytogenetic location: 3p21.1.
Variant type: single nucleotide variant.
Coding change: c.1940T>C on transcript NM_001128840.3 (MANE Select); coding-DNA position 1940, T replaced by C.
Protein change: p.Met647Thr; replaces methionine 647 with threonine.
Molecular consequence: missense variant.
Genome position (GRCh38, 1-based): chr3:53,723,839, T>C. VCF-style: chr3-53723839-T-C. GRCh37 (hg19) VCF-style: chr3-53757866-T-C.
Other names: c.2000T>C, p.Met667Thr (NM_000720.4); c.1940T>C, p.Met647Thr (NM_001128839.3); short protein forms M667T, M647T.
Identifiers: ClinVar variation 2826955 (VCV002826955.3), dbSNP rs2473699781, ClinGen allele CA353237956.
Genomic context (GRCh38, chr3:53,723,839, plus strand): 5'-TCTTGACTTATAGGCACTGGACTTCCCTGAGCAACTTAGTGGCATCCTTATTAAACTCCA[T>C]GAAGTCCATCGCTTCGCTGTTGCTTCTGCTTTTTCTCTTCATTATCATCTTTTCCTTGCT-3'
Protein context (NP_001122312.1, residues 637-657): SNLVASLLNS[Met647Thr]KSIASLLLLL